The following is an entry in ClinVar:

NM_000377.3(WAS):c.814T>C (p.Ser272Pro)

Gene: WAS (WASP actin nucleation promoting factor; plus strand). Cytogenetic location: Xp11.23.
Variant type: single nucleotide variant.
Coding change: c.814T>C on transcript NM_000377.3 (MANE Select); coding-DNA position 814, T replaced by C.
Protein change: p.Ser272Pro; replaces serine 272 with proline.
Molecular consequence: missense variant.
Genome position (GRCh38, 1-based): chrX:48,688,336, T>C. VCF-style: chrX-48688336-T-C. GRCh37 (hg19) VCF-style: chrX-48546725-T-C.
Other names: short protein forms S272P.
Identifiers: ClinVar variation 29966 (VCV000029966.4), dbSNP rs387906716, ClinGen allele CA281101.

ClinVar aggregate classification (germline): Likely pathogenic. Review status: criteria provided, single submitter (1 of 4 stars). 2 submissions from 2 submitters: Likely pathogenic (1). 1 of the submissions does not count toward it. Last evaluated 2024-04-06.

Conditions:
Wiskott-Aldrich syndrome (WAS). Also called: ALDRICH SYNDROME; IMMUNODEFICIENCY 2; Wiskott-aldrich syndrome, somatic; WISKOTT-ALDRICH SYNDROME 1. Identifiers: Orphanet 906, MedGen C0043194, MONDO:0010518, OMIM 301000.
Thrombocytopenia 1. Also called: X-Linked Thrombocytopenia (XLT); THROMBOCYTOPENIA, X-LINKED, 1; X-linked thrombocytopenia with normal platelets. Identifiers: Orphanet 268322, Orphanet 852, MedGen C1839163, MONDO:0010743, OMIM 313900.
X-linked severe congenital neutropenia (SCNX). Identifiers: Orphanet 86788, MedGen C1845987, MONDO:0010294, OMIM 300299.

Submissions (2):

Labcorp Genetics (formerly Invitae), Labcorp
Classification: Likely pathogenic for Wiskott-Aldrich syndrome; X-linked severe congenital neutropenia; Thrombocytopenia 1. Last evaluated: 2024-04-06. Review status: criteria provided, single submitter. Criteria: Invitae Variant Classification Sherloc (09022015). Collection method: clinical testing. Allele origin: germline.
Comment: This sequence change replaces serine, which is neutral and polar, with proline, which is neutral and non-polar, at codon 272 of the WAS protein (p.Ser272Pro). This variant is not present in population databases (gnomAD no frequency). This missense change has been observed in individuals with severe congenital neutropenia (PMID: 16804117; Invitae). ClinVar contains an entry for this variant (Variation ID: 29966). Advanced modeling of protein sequence and biophysical properties (such as structural, functional, and spatial information, amino acid conservation, physicochemical variation, residue mobility, and thermodynamic stability) performed at Invitae indicates that this missense variant is expected to disrupt WAS protein function with a positive predictive value of 80%. Experimental studies have shown that this missense change affects WAS function (PMID: 16804117, 20513746, 24402308, 29078804). In summary, the currently available evidence indicates that the variant is pathogenic, but additional data are needed to prove that conclusively. Therefore, this variant has been classified as Likely Pathogenic.

OMIM
Classification: Pathogenic for NEUTROPENIA, SEVERE CONGENITAL, X-LINKED. Last evaluated: 2006-10-01. Review status: no assertion criteria provided. Collection method: literature only. Allele origin: germline. Not counted in ClinVar's aggregate classification.

Literature cited by the submitters: PubMed 16804117 (cited by Labcorp Genetics (formerly Invitae), Labcorp and OMIM); PubMed 20513746 (cited by Labcorp Genetics (formerly Invitae), Labcorp); PubMed 24402308 (cited by Labcorp Genetics (formerly Invitae), Labcorp); PubMed 29078804 (cited by Labcorp Genetics (formerly Invitae), Labcorp).